The following is an entry in ClinVar:

ClinVar aggregate classification (germline): Conflicting classifications of pathogenicity. Review status: criteria provided, conflicting classifications (1 of 4 stars). 8 submissions from 8 submitters: Likely pathogenic (1); Uncertain significance (4); Likely benign (3). Last evaluated 2026-07-08.

Conditions:
MEN1-related disorder. Also called: MEN1-related condition.
Hereditary cancer-predisposing syndrome. Also called: Neoplastic Syndromes, Hereditary; Tumor predisposition; Hereditary Cancer Syndrome; Hereditary neoplastic syndrome. Identifiers: Orphanet 140162, MedGen C0027672, MeSH D009386, MONDO:0015356.
Multiple endocrine neoplasia, type 1 (MEN1). Also called: MEN I; WERMER SYNDROME; Endocrine adenomatosis multiple; MEN 1; MEA I. Identifiers: Orphanet 652, MedGen C0025267, MeSH D018761, MONDO:0007540, OMIM 131100.

Allele frequency attached by ClinVar (database versions not stated): gnomAD 0.00001; TOPMed 0.00002.
gnomAD v4.1: 19 of 1,613,810 alleles (0.0012%); highest among the groups gnomAD compares: East Asian, 0.0045%; 1 homozygote.

Submissions (8):

PreventionGenetics, part of Exact Sciences
Classification: Likely benign for MEN1-related condition. Last evaluated: 2026-07-08. Review status: criteria provided, single submitter. Criteria: ACMG Guidelines, 2015. Collection method: clinical testing. Allele origin: germline.
Comment: This variant is classified as likely benign based on ACMG/AMP sequence variant interpretation guidelines (Richards et al. 2015 PMID: 25741868, with internal and published modifications).

Labcorp Genetics (formerly Invitae), Labcorp
Classification: Likely benign for Multiple endocrine neoplasia, type 1. Last evaluated: 2025-11-25. Review status: criteria provided, single submitter. Criteria: Invitae Variant Classification Sherloc (09022015). Collection method: clinical testing. Allele origin: germline.

GeneDx
Classification: Uncertain significance. Last evaluated: 2024-08-05. Review status: criteria provided, single submitter. Criteria: GeneDx Variant Classification Process June 2021. Collection method: clinical testing. Allele origin: germline. Affected: yes.
Comment: Not observed at significant frequency in large population cohorts (gnomAD); In silico analysis indicates that this missense variant does not alter protein structure/function; Observed in individuals with breast cancer (PMID: 33471991); This variant is associated with the following publications: (PMID: 10398160, 33471991, 12874027, 9989505)

All of Us Research Program, National Institutes of Health
Classification: Uncertain significance for Multiple endocrine neoplasia, type 1. Last evaluated: 2023-09-04. Review status: criteria provided, single submitter. Criteria: ACMG Guidelines, 2015. Collection method: clinical testing. Allele origin: germline. Inheritance: Autosomal dominant inheritance. Observed: 2 variant alleles, 2 heterozygotes.
Comment: This missense variant replaces proline with leucine at codon 390 of the MEN1 protein. Computational prediction suggests that this variant may not impact protein structure and function (internally defined REVEL score threshold <= 0.5, PMID: 27666373). To our knowledge, functional studies have not been reported for this variant. This variant has been reported in individuals affected with breast cancer (PMID: 33471991). This variant has not been identified in the general population by the Genome Aggregation Database (gnomAD). The available evidence is insufficient to determine the role of this variant in disease conclusively. Therefore, this variant is classified as a Variant of Uncertain Significance.

This study involves interpretation of variants in research participants for the purpose of population health screening. Participant phenotype was not available at the time of variant classification. Additional details can be found in publication PMID: 35346344, PMCID: PMC8962531

Ambry Genetics
Classification: Likely benign for Hereditary cancer-predisposing syndrome. Last evaluated: 2022-01-14. Review status: criteria provided, single submitter. Criteria: Ambry Variant Classification Scheme 2023. Collection method: clinical testing. Allele origin: germline.

MGZ Medical Genetics Center
Classification: Likely pathogenic for Multiple endocrine neoplasia, type 1. Last evaluated: 2021-08-19. Review status: criteria provided, single submitter. Criteria: ACMG Guidelines, 2015. Collection method: clinical testing. Allele origin: germline. Affected: yes. Observed: 1 variant allele.
Comment: ACMG criteria applied: PS4_MOD, PM2_SUP, PM5_SUP, PP2, PP3

Sema4
Classification: Uncertain significance for Hereditary cancer-predisposing syndrome. Last evaluated: 2021-05-07. Review status: criteria provided, single submitter. Criteria: Sema4 Curation Guidelines. Collection method: curation. Allele origin: germline.
Comment: The MEN1 c.1169C>T (p.P390L) variant has been reported in heterozygosity in at least two individuals with breast cancer (PMID: 33471991). It was observed in 3/282316 chromosomes in the Genome Aggregation Database (PMID: 32461654). Variant has been reported in ClinVar (Variation ID: 403816). This variant involves a weakly conserved amino acid, and computational analyses do not provide strong support for or against an impact to the protein, though these predictions have not been confirmed by published functional studies. The evidence is insufficient to meet ACMG/AMP criteria for classifying the variant as benign or pathogenic. Thus, the clinical significance of this variant is currently uncertain.

Genetic Services Laboratory, University of Chicago
Classification: Uncertain significance. Last evaluated: 2021-01-06. Review status: criteria provided, single submitter. Criteria: ACMG Guidelines, 2015. Collection method: clinical testing. Allele origin: germline. Affected: no.
Comment: This sequence change does not appear to have been previously described in patients with MEN1-related disorders and has been described in the gnomAD database with a low population frequency of 0.0011% (dbSNP rs761102084). The p.Pro390Leu change affects a poorly conserved amino acid residue located in a domain of the MEN1 protein that is known to be functional. The p.Pro390Leu substitution appears to be benign using several in-silico pathogenicity prediction tools (SIFT, PolyPhen2, Align GVGD, REVEL). Due to these contrasting evidences and the lack of functional studies, the clinical significance of the p.Pro390Leu change remains unknown at this time.

Literature cited by the submitters: PubMed 33471991 (cited by All of Us Research Program, National Institutes of Health and Sema4).

NM_001370259.2(MEN1):c.1169C>T (p.Pro390Leu)

Gene: MEN1 (menin 1; minus strand). Cytogenetic location: 11q13.1.
Variant type: single nucleotide variant.
Coding change: c.1169C>T on transcript NM_001370259.2 (MANE Select); coding-DNA position 1169, C replaced by T.
Protein change: p.Pro390Leu; replaces proline 390 with leucine.
Molecular consequence: missense variant.
Genome position (GRCh38, 1-based): chr11:64,805,651, G>A on the plus strand (C>T on the coding strand, the complement: MEN1 is on the minus strand). VCF-style: chr11-64805651-G-A. GRCh37 (hg19) VCF-style: chr11-64573123-G-A.
Other names: c.1184C>T (NM_000244.3); c.1184C>T, p.Pro395Leu (NM_000244.4, NM_130800.3, NM_130801.3 and 3 more transcripts); c.1295C>T, p.Pro432Leu (NM_001370251.2); c.1169C>T, p.Pro390Leu (NM_001370260.2, NM_001370261.2, NM_130799.3); c.1064C>T, p.Pro355Leu (NM_001370262.2, NM_001370263.2); short protein forms P390L, P395L, P355L, P432L.
Identifiers: ClinVar variation 403816 (VCV000403816.36), dbSNP rs761102084, ClinGen allele CA060092.